The following is an entry in ClinVar:

ClinVar aggregate classification (germline): Uncertain significance (1 of 4 stars; one submission).

Allele frequency attached by ClinVar (database versions not stated): gnomAD exomes below 0.00001; TOPMed below 0.00001.
gnomAD v4.1: 1 of 1,602,188 alleles (0.000062%); highest among the groups gnomAD compares: Non-Finnish European, 0.000085%; no homozygotes.

Submission:

Labcorp Genetics (formerly Invitae), Labcorp
Classification: Uncertain significance. Last evaluated: 2023-11-24. Review status: criteria provided, single submitter. Criteria: Invitae Variant Classification Sherloc (09022015). Collection method: clinical testing. Allele origin: germline.
Comment: This sequence change replaces glutamine, which is neutral and polar, with leucine, which is neutral and non-polar, at codon 3295 of the ADGRV1 protein (p.Gln3295Leu). This variant is not present in population databases (gnomAD no frequency). This variant has not been reported in the literature in individuals affected with ADGRV1-related conditions. Advanced modeling of protein sequence and biophysical properties (such as structural, functional, and spatial information, amino acid conservation, physicochemical variation, residue mobility, and thermodynamic stability) performed at Invitae indicates that this missense variant is not expected to disrupt ADGRV1 protein function with a negative predictive value of 95%. In summary, the available evidence is currently insufficient to determine the role of this variant in disease. Therefore, it has been classified as a Variant of Uncertain Significance.

NM_032119.4(ADGRV1):c.9884A>T (p.Gln3295Leu)

Gene: ADGRV1 (adhesion G protein-coupled receptor V1; plus strand). Cytogenetic location: 5q14.3.
Variant type: single nucleotide variant.
Coding change: c.9884A>T on transcript NM_032119.4 (MANE Select); coding-DNA position 9884, A replaced by T.
Protein change: p.Gln3295Leu; replaces glutamine 3295 with leucine.
Molecular consequence: missense variant. On other transcripts: non-coding transcript variant (1).
Genome position (GRCh38, 1-based): chr5:90,724,967, A>T. VCF-style: chr5-90724967-A-T. GRCh37 (hg19) VCF-style: chr5-90020784-A-T.
Other names: short protein forms Q3295L.
Identifiers: ClinVar variation 2815110 (VCV002815110.3), dbSNP rs1751570140, ClinGen allele CA360402741.
Genomic context (GRCh38, chr5:90,724,967, plus strand): 5'-TGGAAAATTTAATATATGGTATAATGTTAAGAAAATCATCTGTTACTGTTTACCGATGGC[A>T]GGGGATTTTTATTCCAGTTGAGGTAAACATCAGTATTTTTTTATAGTACAAAAATAAAAT-3'
Protein context (NP_115495.3, residues 3285-3305): RKSSVTVYRW[Gln3295Leu]GIFIPVEDLN